The following is an entry in ClinVar:

NM_212482.4(FN1):c.4857C>T (p.Pro1619=)

Gene: FN1 (fibronectin 1; minus strand). Cytogenetic location: 2q35.
Variant type: single nucleotide variant.
Coding change: c.4857C>T on transcript NM_212482.4 (MANE Select); coding-DNA position 4857, C replaced by T.
Protein change: p.Pro1619=; no amino-acid change (proline 1619 retained).
Molecular consequence: synonymous variant.
Genome position (GRCh38, 1-based): chr2:215,384,057, G>A on the plus strand (C>T on the coding strand, the complement: FN1 is on the minus strand). VCF-style: chr2-215384057-G-A. GRCh37 (hg19) VCF-style: chr2-216248780-G-A.
Other names: c.4857C>T, p.Pro1619= (NM_001306129.2, NM_001306130.2, NM_001365517.2 and 3 more transcripts); c.4584C>T, p.Pro1528= (NM_001306131.2, NM_001306132.2, NM_001365518.2 and 7 more transcripts); c.4857C>T (NM_212482.2).
Identifiers: ClinVar variation 1093172 (VCV001093172.11), dbSNP rs367872433, ClinGen allele CA2094308.

ClinVar aggregate classification (germline): Likely benign. Review status: criteria provided, single submitter (1 of 4 stars). 2 submissions from 2 submitters: Likely benign (1). 1 of the submissions does not count toward it. Last evaluated 2025-07-14.

Conditions:
FN1-related disorder. Also called: FN1-related condition.

Allele frequency attached by ClinVar (database versions not stated): gnomAD 0.00005 and 0.00006; TOPMed 0.00006; ESP Exome Variant Server 0.00015.
gnomAD v4.1: 157 of 1,614,000 alleles (0.0097%); highest among the groups gnomAD compares: Non-Finnish European, 0.012%; no homozygotes.

Submissions (2):

Labcorp Genetics (formerly Invitae), Labcorp
Classification: Likely benign. Last evaluated: 2025-07-14. Review status: criteria provided, single submitter. Criteria: Invitae Variant Classification Sherloc (09022015). Collection method: clinical testing. Allele origin: germline.

PreventionGenetics, part of Exact Sciences
Classification: Likely benign for FN1-related condition. Last evaluated: 2019-06-12. Review status: no assertion criteria provided. Collection method: clinical testing. Allele origin: germline. Not counted in ClinVar's aggregate classification.
Comment: This variant is classified as likely benign based on ACMG/AMP sequence variant interpretation guidelines (Richards et al. 2015 PMID: 25741868, with internal and published modifications).